The following is an entry in ClinVar:

ClinVar aggregate classification (germline): Conflicting classifications of pathogenicity. Review status: criteria provided, conflicting classifications (1 of 4 stars). 4 submissions from 4 submitters: Likely pathogenic (2); Uncertain significance (2). Last evaluated 2026-02-01.

Conditions:
RYR1-related disorder. Also called: RYR1-related condition; RYR1-related disorders. Identifiers: MedGen CN239331.

Allele frequency attached by ClinVar (database versions not stated): gnomAD exomes 0.00001; TOPMed 0.00001; gnomAD 0.00002; ESP Exome Variant Server 0.00008.
gnomAD v4.1: 10 of 1,612,562 alleles (0.00062%); highest among the groups gnomAD compares: East Asian, 0.0022%; no homozygotes.

Submissions (4):

GeneDx
Classification: Likely pathogenic. Last evaluated: 2026-02-01. Review status: criteria provided, single submitter. Criteria: GeneDx Variant Classification Process June 2021. Collection method: clinical testing. Allele origin: germline.
Comment: Previously reported in the heterozygous state in a proband with congential myasthenia syndrome; a second RYR1 variant was not reported, and the R682Q variant was inherited from the unaffected mother (PMID: 31127727); In silico analysis suggests this variant may impact gene splicing. In the absence of RNA/functional studies, the actual effect of this sequence change is unknown.; In silico analysis supports that this missense variant has a deleterious effect on protein structure/function; Not observed at significant frequency in large population cohorts (gnomAD); This variant is associated with the following publications: (PMID: 31127727, 34411415, 38980209)

Labcorp Genetics (formerly Invitae), Labcorp
Classification: Likely pathogenic for RYR1-related disorder. Last evaluated: 2025-07-21. Review status: criteria provided, single submitter. Criteria: Invitae Variant Classification Sherloc (09022015). Collection method: clinical testing. Allele origin: germline.
Comment: This sequence change replaces arginine, which is basic and polar, with glutamine, which is neutral and polar, at codon 682 of the RYR1 protein (p.Arg682Gln). This variant is present in population databases (rs372513400, gnomAD 0.004%). This missense change has been observed in individual(s) with autosomal recessive RYR1-related myopathy (PMID: 31127727, 34411415). In at least one individual the data is consistent with being in trans (on the opposite chromosome) from a pathogenic variant. ClinVar contains an entry for this variant (Variation ID: 590496). Invitae Evidence Modeling of protein sequence and biophysical properties (such as structural, functional, and spatial information, amino acid conservation, physicochemical variation, residue mobility, and thermodynamic stability) has been performed for this missense variant. However, the output from this modeling did not meet the statistical confidence thresholds required to predict the impact of this variant on RYR1 protein function. Algorithms developed to predict the effect of sequence changes on RNA splicing suggest that this variant may create or strengthen a splice site. This variant disrupts the p.Arg682 amino acid residue in RYR1. Other variant(s) that disrupt this residue have been observed in individuals with RYR1-related conditions (PMID: 30611313, 35081925), which suggests that this may be a clinically significant amino acid residue. In summary, the currently available evidence indicates that the variant is pathogenic, but additional data are needed to prove that conclusively. Therefore, this variant has been classified as Likely Pathogenic.

Women's Health and Genetics/Laboratory Corporation of America, LabCorp
Classification: Uncertain significance. Last evaluated: 2025-07-08. Review status: criteria provided, single submitter. Criteria: LabCorp Variant Classification Summary - May 2015. Collection method: clinical testing. Allele origin: germline.
Comment: Variant summary: RYR1 c.2045G>A (p.Arg682Gln) results in a conservative amino acid change in the encoded protein sequence. Algorithms developed to predict the effect of missense changes on protein structure and function are either unavailable or do not agree on the potential impact of this missense change. The variant allele was found at a frequency of 6.2e-06 in 1612562 control chromosomes. This frequency is not significantly higher than estimated for a pathogenic variant in RYR1 causing Congenital multicore myopathy with external ophthalmoplegia (6.2e-06 vs 0.0011), allowing no conclusion about variant significance. c.2045G>A has been observed in individual(s) affected with congenital myopathies (example, Mellis_2021, Westra_2019), including at least 1 individual who carried a pathogenic recessive variant in trans. The variant was also observed in the presumed heterozygous state in at least 2 individuals who were suspected of having dominant malignant hyperthermia susceptibility/heat sensitivity, without strong evidence for causality (Wang_2020). These data do not allow any conclusion about variant significance. To our knowledge, no experimental evidence demonstrating an impact on protein function has been reported. The following publications have been ascertained in the context of this evaluation (PMID: 34411415, 33037202, 31127727, 36792386, 35285867). ClinVar contains an entry for this variant (Variation ID: 590496). Based on the evidence outlined above, the variant was classified as uncertain significance.

PreventionGenetics, part of Exact Sciences
Classification: Uncertain significance. Last evaluated: 2018-01-15. Review status: criteria provided, single submitter. Criteria: ACMG Guidelines, 2015. Collection method: clinical testing. Allele origin: germline.

Literature cited by the submitters: PubMed 31127727 (cited by Labcorp Genetics (formerly Invitae), Labcorp and Women's Health and Genetics/Laboratory Corporation of America, LabCorp); PubMed 34411415 (cited by Labcorp Genetics (formerly Invitae), Labcorp and Women's Health and Genetics/Laboratory Corporation of America, LabCorp); PubMed 30611313 (cited by Labcorp Genetics (formerly Invitae), Labcorp); PubMed 35081925 (cited by Labcorp Genetics (formerly Invitae), Labcorp); PubMed 35285867 (cited by Women's Health and Genetics/Laboratory Corporation of America, LabCorp); PubMed 33037202 (cited by Women's Health and Genetics/Laboratory Corporation of America, LabCorp); PubMed 36792386 (cited by Women's Health and Genetics/Laboratory Corporation of America, LabCorp).

NM_000540.3(RYR1):c.2045G>A (p.Arg682Gln)

Gene: RYR1 (ryanodine receptor 1; plus strand). Cytogenetic location: 19q13.2.
Variant type: single nucleotide variant.
Coding change: c.2045G>A on transcript NM_000540.3 (MANE Select); coding-DNA position 2045, G replaced by A.
Protein change: p.Arg682Gln; replaces arginine 682 with glutamine.
Molecular consequence: missense variant.
Genome position (GRCh38, 1-based): chr19:38,458,170, G>A. VCF-style: chr19-38458170-G-A. GRCh37 (hg19) VCF-style: chr19-38948810-G-A.
Other names: c.2045G>A, p.Arg682Gln (NM_001042723.2); short protein forms R682Q.
Identifiers: ClinVar variation 590496 (VCV000590496.9), dbSNP rs372513400, ClinGen allele CA308125796.
Genomic context (GRCh38, chr19:38,458,170, plus strand): 5'-ACTTTGAGGTGATGGTGGACGAGGTGACTCCATTTCTGACAGCTCAGGCCACCCACTTGC[G>A]GGTGGGCTGGGCCCTCACCGAGGGCTACACCCCCTACCCTGGGGCCGGCGAGGGCTGGGG-3'
Protein context (NP_000531.2, residues 672-692): PFLTAQATHL[Arg682Gln]VGWALTEGYT